The following is an entry in ClinVar:

ClinVar aggregate classification (germline): Uncertain significance (1 of 4 stars; one submission).

Conditions:
MEGF8-related Carpenter syndrome. Also called: Carpenter syndrome 2. Identifiers: Orphanet 65759, MedGen C3554247, MONDO:0013998, OMIM 614976.

Allele frequency attached by ClinVar (database versions not stated): gnomAD exomes below 0.00001; TOPMed 0.00001; gnomAD 0.00002.
gnomAD v4.1: 13 of 1,613,840 alleles (0.00081%); highest among the groups gnomAD compares: Non-Finnish European, 0.0011%; no homozygotes.

Submission:

Labcorp Genetics (formerly Invitae), Labcorp
Classification: Uncertain significance for MEGF8-related Carpenter syndrome. Last evaluated: 2025-04-17. Review status: criteria provided, single submitter. Criteria: Invitae Variant Classification Sherloc (09022015). Collection method: clinical testing. Allele origin: germline.
Comment: This sequence change replaces tryptophan, which is neutral and slightly polar, with cysteine, which is neutral and slightly polar, at codon 1889 of the MEGF8 protein (p.Trp1889Cys). The frequency data for this variant in the population databases is considered unreliable, as metrics indicate poor data quality at this position in the gnomAD database. This variant has not been reported in the literature in individuals affected with MEGF8-related conditions. ClinVar contains an entry for this variant (Variation ID: 1006691). An algorithm developed to predict the effect of missense changes on protein structure and function (PolyPhen-2) suggests that this variant is likely to be tolerated. In summary, the available evidence is currently insufficient to determine the role of this variant in disease. Therefore, it has been classified as a Variant of Uncertain Significance.

NM_001271938.2(MEGF8):c.5868G>T (p.Trp1956Cys)

Gene: MEGF8 (multiple EGF like domains 8; plus strand). Cytogenetic location: 19q13.2.
Variant type: single nucleotide variant.
Coding change: c.5868G>T on transcript NM_001271938.2 (MANE Select); coding-DNA position 5868, G replaced by T.
Protein change: p.Trp1956Cys; replaces tryptophan 1956 with cysteine.
Molecular consequence: missense variant.
Genome position (GRCh38, 1-based): chr19:42,362,407, G>T. VCF-style: chr19-42362407-G-T. GRCh37 (hg19) VCF-style: chr19-42866559-G-T.
Other names: c.5667G>T, p.Trp1889Cys (NM_001410.3); short protein forms W1889C, W1956C.
Identifiers: ClinVar variation 1006691 (VCV001006691.8), dbSNP rs1205847294, ClinGen allele CA406128736.